The following is an entry in ClinVar:

NM_001271.4(CHD2):c.4724G>T (p.Gly1575Val)

Gene: CHD2 (chromodomain helicase DNA binding protein 2; plus strand). Cytogenetic location: 15q26.1.
Variant type: single nucleotide variant.
Coding change: c.4724G>T on transcript NM_001271.4 (MANE Select); coding-DNA position 4724, G replaced by T.
Protein change: p.Gly1575Val; replaces glycine 1575 with valine.
Molecular consequence: missense variant.
Genome position (GRCh38, 1-based): chr15:93,014,727, G>T. VCF-style: chr15-93014727-G-T. GRCh37 (hg19) VCF-style: chr15-93557957-G-T.
Other names: short protein forms G1575V.
Identifiers: ClinVar variation 2789615 (VCV002789615.3), dbSNP rs746506782, ClinGen allele CA393905819.

ClinVar aggregate classification (germline): Uncertain significance (1 of 4 stars; one submission).

Conditions:
Developmental and epileptic encephalopathy 94 (DEE94). Also called: CHD2-Related Neurodevelopmental Disorders; Epileptic encephalopathy, childhood-onset. Identifiers: Orphanet 1942, Orphanet 2382, MedGen C3809278, MONDO:0014150, OMIM 615369.

gnomAD v4.1: 8 of 1,613,974 alleles (0.0005%); highest among the groups gnomAD compares: African/African-American, 0.0027%; no homozygotes.

Submission:

Labcorp Genetics (formerly Invitae), Labcorp
Classification: Uncertain significance for Developmental and epileptic encephalopathy 94. Last evaluated: 2024-05-07. Review status: criteria provided, single submitter. Criteria: Invitae Variant Classification Sherloc (09022015). Collection method: clinical testing. Allele origin: germline.
Comment: This sequence change replaces glycine, which is neutral and non-polar, with valine, which is neutral and non-polar, at codon 1575 of the CHD2 protein (p.Gly1575Val). This variant is present in population databases (no rsID available, gnomAD 0.007%). This variant has not been reported in the literature in individuals affected with CHD2-related conditions. Advanced modeling of protein sequence and biophysical properties (such as structural, functional, and spatial information, amino acid conservation, physicochemical variation, residue mobility, and thermodynamic stability) performed at Invitae indicates that this missense variant is not expected to disrupt CHD2 protein function with a negative predictive value of 95%. In summary, the available evidence is currently insufficient to determine the role of this variant in disease. Therefore, it has been classified as a Variant of Uncertain Significance.